The following is an entry in ClinVar:

ClinVar aggregate classification (germline): Uncertain significance. Review status: criteria provided, multiple submitters, no conflicts (2 of 4 stars). 2 submissions from 2 submitters: Uncertain significance (2). Last evaluated 2022-02-28.

Conditions:
Spinocerebellar ataxia 43 (SCA43). Identifiers: Orphanet 497764, MedGen C4310763, MONDO:0014867, OMIM 617018.
Charcot-Marie-Tooth disease axonal type 2T. Identifiers: Orphanet 443950, MedGen C4015635, OMIM 617017, MONDO:0014866.

Allele frequency attached by ClinVar (database versions not stated): TOPMed below 0.00001.

Submissions (2):

Labcorp Genetics (formerly Invitae), Labcorp
Classification: Uncertain significance. Last evaluated: 2022-02-28. Review status: criteria provided, single submitter. Criteria: Invitae Variant Classification Sherloc (09022015). Collection method: clinical testing. Allele origin: germline.
Comment: This variant is not present in population databases (gnomAD no frequency). This sequence change replaces methionine, which is neutral and non-polar, with threonine, which is neutral and polar, at codon 273 of the MME protein (p.Met273Thr). This variant has not been reported in the literature in individuals affected with MME-related conditions. In summary, the available evidence is currently insufficient to determine the role of this variant in disease. Therefore, it has been classified as a Variant of Uncertain Significance. Algorithms developed to predict the effect of missense changes on protein structure and function are either unavailable or do not agree on the potential impact of this missense change (SIFT: "Deleterious"; PolyPhen-2: "Benign"; Align-GVGD: "Class C0").

Department of Pathology and Laboratory Medicine, Sinai Health System
Classification: Uncertain significance for Charcot-Marie-Tooth disease axonal type 2T; Spinocerebellar ataxia 43. Last evaluated: 2021-09-28. Review status: criteria provided, single submitter. Criteria: ACMG Guidelines, 2015. Collection method: research. Allele origin: germline.

NM_007289.4(MME):c.818T>C (p.Met273Thr)

Gene: MME (membrane metalloendopeptidase; plus strand). Cytogenetic location: 3q25.2.
Variant type: single nucleotide variant.
Coding change: c.818T>C on transcript NM_007289.4 (MANE Select); coding-DNA position 818, T replaced by C.
Protein change: p.Met273Thr; replaces methionine 273 with threonine.
Molecular consequence: missense variant.
Genome position (GRCh38, 1-based): chr3:155,138,199, T>C. VCF-style: chr3-155138199-T-C. GRCh37 (hg19) VCF-style: chr3-154855988-T-C.
Other names: c.818T>C, p.Met273Thr (NM_000902.5, NM_001354642.2, NM_001354643.1 and 2 more transcripts); short protein forms M273T.
Identifiers: ClinVar variation 1973628 (VCV001973628.6), dbSNP rs1720785542, ClinGen allele CA355129378.